The following is an entry in ClinVar:

NM_001365088.1(SLC12A6):c.2106T>C (p.Tyr702=)

Gene: SLC12A6 (solute carrier family 12 member 6; minus strand). Cytogenetic location: 15q14.
Variant type: single nucleotide variant.
Coding change: c.2106T>C on transcript NM_001365088.1 (MANE Select); coding-DNA position 2106, T replaced by C.
Protein change: p.Tyr702=; no amino-acid change (tyrosine 702 retained).
Molecular consequence: synonymous variant.
Genome position (GRCh38, 1-based): chr15:34,242,158, A>G on the plus strand (T>C on the coding strand, the complement: SLC12A6 is on the minus strand). VCF-style: chr15-34242158-A-G. GRCh37 (hg19) VCF-style: chr15-34534359-A-G.
Other names: c.1929T>C, p.Tyr643= (NM_001042494.2, NM_001042495.2); c.2079T>C, p.Tyr693= (NM_001042496.2); c.2061T>C, p.Tyr687= (NM_001042497.2); c.1953T>C, p.Tyr651= (NM_005135.2); c.2106T>C, p.Tyr702= (NM_133647.2).
Identifiers: ClinVar variation 315611 (VCV000315611.61), dbSNP rs145775351, ClinGen allele CA7464143.

ClinVar aggregate classification (germline): Benign/Likely benign. Review status: criteria provided, multiple submitters, no conflicts (2 of 4 stars). 9 submissions from 9 submitters: Benign (3); Likely benign (4). 2 of the submissions do not count toward it. Last evaluated 2026-01-21.

Conditions:
SLC12A6-related disorder. Also called: SLC12A6-related condition.
Inborn genetic diseases. Identifiers: MedGen C0950123, MeSH D030342.
Agenesis of the corpus callosum with peripheral neuropathy (ACCPN). Also called: POLYNEUROPATHY, SENSORIMOTOR, WITH OR WITHOUT AGENESIS OF THE CORPUS CALLOSUM; CHARLEVOIX DISEASE; Hereditary Motor and Sensory Neuropathy with Agenesis of the Corpus Callosum; HMSN/ACC. Identifiers: Orphanet 1496, MedGen C0795950, MONDO:0000902, OMIM 218000. Disease mechanism: loss of function.

Allele frequency attached by ClinVar (database versions not stated): gnomAD 0.00028 and 0.00040; TOPMed 0.00043; gnomAD exomes 0.00054 and 0.00086; 1000 Genomes Project 30x 0.00078; ExAC 0.00098; 1000 Genomes Project 0.00100.
gnomAD v4.1: 827 of 1,588,380 alleles (0.052%); highest among the groups gnomAD compares: East Asian, 1.4%; 8 homozygotes.

Submissions (9):

Labcorp Genetics (formerly Invitae), Labcorp
Classification: Benign. Last evaluated: 2026-01-21. Review status: criteria provided, single submitter. Criteria: Invitae Variant Classification Sherloc (09022015). Collection method: clinical testing. Allele origin: germline.

Blueprint Genetics
Classification: Likely benign. Last evaluated: 2024-11-06. Review status: criteria provided, single submitter. Criteria: ACMG Guidelines, 2015. Collection method: clinical testing. Allele origin: germline.

CeGaT Center for Human Genetics Tuebingen
Classification: Likely benign. Last evaluated: 2023-10-01. Review status: criteria provided, single submitter. Criteria: CeGaT Center For Human Genetics Tuebingen Variant Classification Criteria Version 2. Collection method: clinical testing. Allele origin: germline. Affected: yes. Observed: 2 variant alleles.
Comment: SLC12A6: BP4, BP7

Ambry Genetics
Classification: Likely benign for Inborn genetic diseases. Last evaluated: 2023-04-11. Review status: criteria provided, single submitter. Criteria: Ambry Variant Classification Scheme 2023. Collection method: clinical testing. Allele origin: germline.

ARUP Laboratories, Molecular Genetics and Genomics, ARUP Laboratories
Classification: Benign for Agenesis of the corpus callosum with peripheral neuropathy. Last evaluated: 2022-02-04. Review status: criteria provided, single submitter. Criteria: ARUP Molecular Germline Variant Investigation Process 2021. Collection method: clinical testing. Allele origin: germline.

Genome-Nilou Lab
Classification: Benign for Agenesis of the corpus callosum with peripheral neuropathy. Last evaluated: 2021-07-15. Review status: criteria provided, single submitter. Criteria: ACMG Guidelines, 2015. Collection method: clinical testing. Allele origin: germline. Affected: no.

Illumina Laboratory Services, Illumina
Classification: Likely benign for Agenesis of the corpus callosum with peripheral neuropathy. Last evaluated: 2018-01-13. Review status: criteria provided, single submitter. Criteria: ICSL Variant Classification Criteria 13 December 2019. Collection method: clinical testing. Allele origin: germline.
Comment: This variant was observed in the ICSL laboratory as part of a predisposition screen in an ostensibly healthy population. It had not been previously curated by ICSL or reported in the Human Gene Mutation Database (HGMD: prior to June 1st, 2018), and was therefore a candidate for classification through an automated scoring system. Utilizing variant allele frequency, disease prevalence and penetrance estimates, and inheritance mode, an automated score was calculated to assess if this variant is too frequent to cause the disease. Based on the score and internal cut-off values, a variant classified as likely benign is not then subjected to further curation. The score for this variant resulted in a classification of likely benign for this disease.

PreventionGenetics, part of Exact Sciences
Classification: Benign for SLC12A6-related condition. Last evaluated: 2024-06-23. Review status: no assertion criteria provided. Collection method: clinical testing. Allele origin: germline. Not counted in ClinVar's aggregate classification.
Comment: This variant is classified as benign based on ACMG/AMP sequence variant interpretation guidelines (Richards et al. 2015 PMID: 25741868, with internal and published modifications).

Natera, Inc.
Classification: Uncertain significance for Andermann syndrome. Last evaluated: 2020-04-18. Review status: no assertion criteria provided. Collection method: clinical testing. Allele origin: germline. Not counted in ClinVar's aggregate classification.